The following is an entry in ClinVar:

NM_001127222.2(CACNA1A):c.1647del (p.Phe550fs)

Gene: CACNA1A (calcium voltage-gated channel subunit alpha1 A; minus strand). Cytogenetic location: 19p13.13.
Variant type: Deletion.
Coding change: c.1647del on transcript NM_001127222.2 (MANE Select); coding-DNA position 1647, one base deleted (C; older notation c.1647delC).
Protein change: p.Phe550fs; shifts the reading frame from phenylalanine 550.
Molecular consequence: frameshift variant.
Genome position (GRCh38, 1-based): chr19:13,312,690, G deleted on the plus strand (C on the coding strand, the reverse complement: CACNA1A is on the minus strand); the first of 2 consecutive G bases (chr19:13,312,690-13,312,691); deleting either gives the same sequence. VCF-style (leftmost placement, unchanged base first): chr19-13312689-AG-A. GRCh37 (hg19) VCF-style: chr19-13423503-AG-A.
Other names: c.1650del, p.Phe551fs (NM_000068.4, NM_001127221.2, NM_001174080.2 and 1 more transcripts); short protein forms F550fs, F551fs.
Identifiers: ClinVar variation 837522 (VCV000837522.8), dbSNP rs2058057299, ClinGen allele CA916082452.

ClinVar aggregate classification (germline): Pathogenic/Likely pathogenic. Review status: criteria provided, multiple submitters, no conflicts (2 of 4 stars). 3 submissions from 3 submitters: Pathogenic (2); Likely pathogenic (1). Last evaluated 2024-09-23.

Conditions:
Developmental and epileptic encephalopathy, 42 (DEE42A). Also called: Epileptic encephalopathy, early infantile, 42; DEVELOPMENTAL AND EPILEPTIC ENCEPHALOPATHY 42A; EPILEPTIC ENCEPHALOPATHY, EARLY INFANTILE, 42A. Identifiers: MedGen C4310716, MONDO:0014917, OMIM 617106.
Episodic ataxia type 2 (EA2). Also called: EPISODIC ATAXIA, NYSTAGMUS-ASSOCIATED; ACETAZOLAMIDE-RESPONSIVE HEREDITARY PAROXYSMAL CEREBELLAR ATAXIA; ATAXIA, EPISODIC, WITH NYSTAGMUS; ATAXIA, FAMILIAL PAROXYSMAL; CEREBELLAR ATAXIA, PAROXYSMAL, ACETAZOLAMIDE-RESPONSIVE; CEREBELLOPATHY, HEREDITARY PAROXYSMAL. Identifiers: Orphanet 97, MedGen C1720416, MONDO:0007163, OMIM 108500.
Spinocerebellar ataxia type 6 (SCA6). Identifiers: Orphanet 98758, MedGen C0752124, MONDO:0008457, OMIM 183086.
Migraine, familial hemiplegic, 1. Also called: MIGRAINE, FAMILIAL HEMIPLEGIC 1, WITH PROGRESSIVE CEREBELLAR ATAXIA. Identifiers: Orphanet 569, MedGen C1832884, MONDO:0020756, OMIM 141500, MONDO:0007714.

Submissions (3):

GeneDx
Classification: Pathogenic. Last evaluated: 2024-09-23. Review status: criteria provided, single submitter. Criteria: GeneDx Variant Classification Process June 2021. Collection method: clinical testing. Allele origin: germline. Affected: yes.
Comment: Observed as a heterozygous variant in a patient from a cohort of individuals with epilepsy in the published literature (PMID: 31440721); Frameshift variant predicted to result in protein truncation or nonsense mediated decay in a gene for which loss of function is a known mechanism of disease; Not observed at significant frequency in large population cohorts (gnomAD); This variant is associated with the following publications: (PMID: 31440721)

Greenwood Genetic Center Diagnostic Laboratories, Greenwood Genetic Center
Classification: Likely pathogenic for Developmental and epileptic encephalopathy, 42; Episodic ataxia type 2; Migraine, familial hemiplegic, 1; Spinocerebellar ataxia type 6. Last evaluated: 2021-09-15. Review status: criteria provided, single submitter. Criteria: ACMG Guidelines, 2015. Collection method: clinical testing. Allele origin: germline. Affected: yes.
Comment: PVS1, PM2

Labcorp Genetics (formerly Invitae), Labcorp
Classification: Pathogenic for Developmental and epileptic encephalopathy, 42; Episodic ataxia type 2. Last evaluated: 2020-02-21. Review status: criteria provided, single submitter. Criteria: Invitae Variant Classification Sherloc (09022015). Collection method: clinical testing. Allele origin: germline.
Comment: This sequence change creates a premature translational stop signal (p.Phe551Serfs*21) in the CACNA1A gene. It is expected to result in an absent or disrupted protein product. This variant is not present in population databases (ExAC no frequency). This variant has not been reported in the literature in individuals with CACNA1A-related conditions. Loss-of-function variants in CACNA1A are known to be pathogenic (PMID: 10371528, 19486177, 25735478, 27250579). For these reasons, this variant has been classified as Pathogenic.

Literature cited by the submitters: PubMed 10371528 (cited by Labcorp Genetics (formerly Invitae), Labcorp); PubMed 19486177 (cited by Labcorp Genetics (formerly Invitae), Labcorp); PubMed 25735478 (cited by Labcorp Genetics (formerly Invitae), Labcorp); PubMed 27250579 (cited by Labcorp Genetics (formerly Invitae), Labcorp).